The following is an entry in ClinVar:

NM_000245.4(MET):c.1675C>T (p.Gln559Ter)

Gene: MET (MET proto-oncogene, receptor tyrosine kinase; plus strand). Cytogenetic location: 7q31.2.
Variant type: single nucleotide variant.
Coding change: c.1675C>T on transcript NM_000245.4 (MANE Select); coding-DNA position 1675, C replaced by T.
Protein change: p.Gln559Ter; replaces glutamine 559 with a stop codon.
Molecular consequence: nonsense.
Genome position (GRCh38, 1-based): chr7:116,740,999, C>T. VCF-style: chr7-116740999-C-T. GRCh37 (hg19) VCF-style: chr7-116381053-C-T.
Other names: c.1675C>T, p.Gln559Ter (NM_001127500.3, NM_001324401.3); c.385C>T, p.Gln129Ter (NM_001324402.2); short protein forms Q559*, Q129*.
Identifiers: ClinVar variation 1777778 (VCV001777778.2), dbSNP rs2116837622, ClinGen allele CA368975792.

ClinVar aggregate classification (germline): Uncertain significance (1 of 4 stars; one submission).

Conditions:
Hereditary cancer-predisposing syndrome. Also called: Neoplastic Syndromes, Hereditary; Tumor predisposition; Hereditary Cancer Syndrome; Hereditary neoplastic syndrome. Identifiers: Orphanet 140162, MedGen C0027672, MeSH D009386, MONDO:0015356.

Submission:

Ambry Genetics
Classification: Uncertain significance for Hereditary cancer-predisposing syndrome. Last evaluated: 2022-07-01. Review status: criteria provided, single submitter. Criteria: Ambry Variant Classification Scheme 2023. Collection method: clinical testing. Allele origin: germline.
Comment: The p.Q559* variant (also known as c.1675C>T), located in coding exon 4 of the MET gene, results from a C to T substitution at nucleotide position 1675. This changes the amino acid from a glutamine to a stop codon within coding exon 4. This alteration is expected to result in premature protein truncation or nonsense-mediated mRNA decay. However, loss of function of MET has not been clearly established as a mechanism of disease. Since supporting evidence is limited at this time, the clinical significance of this alteration remains unclear.